The following is an entry in ClinVar:

ClinVar aggregate classification (germline): Uncertain significance (1 of 4 stars; one submission).

Conditions:
Hyperekplexia 3 (HKPX3). Also called: HYPEREKPLEXIA 3, AUTOSOMAL RECESSIVE; HYPEREKPLEXIA 3, AUTOSOMAL DOMINANT. Identifiers: Orphanet 3197, MedGen C3553288, MONDO:0013827, OMIM 614618.

gnomAD v4.1: 1 of 1,586,642 alleles (0.000063%); highest among the groups gnomAD compares: South Asian, 0.0011%; no homozygotes.

Submission:

Labcorp Genetics (formerly Invitae), Labcorp
Classification: Uncertain significance for Hyperekplexia 3. Last evaluated: 2021-03-26. Review status: criteria provided, single submitter. Criteria: Invitae Variant Classification Sherloc (09022015). Collection method: clinical testing. Allele origin: germline.
Comment: In summary, the available evidence is currently insufficient to determine the role of this variant in disease. Therefore, it has been classified as a Variant of Uncertain Significance. Advanced modeling of protein sequence and biophysical properties (such as structural, functional, and spatial information, amino acid conservation, physicochemical variation, residue mobility, and thermodynamic stability) performed at Invitae indicates that this missense variant is not expected to disrupt SLC6A5 protein function. This variant has not been reported in the literature in individuals with SLC6A5-related conditions. This variant is not present in population databases (ExAC no frequency). This sequence change replaces arginine with histidine at codon 50 of the SLC6A5 protein (p.Arg50His). The arginine residue is moderately conserved and there is a small physicochemical difference between arginine and histidine.

NM_004211.5(SLC6A5):c.149G>A (p.Arg50His)

Gene: SLC6A5 (solute carrier family 6 member 5; plus strand). Cytogenetic location: 11p15.1.
Variant type: single nucleotide variant.
Coding change: c.149G>A on transcript NM_004211.5 (MANE Select); coding-DNA position 149, G replaced by A.
Protein change: p.Arg50His; replaces arginine 50 with histidine.
Molecular consequence: missense variant. On other transcripts: 5 prime UTR variant (1).
Genome position (GRCh38, 1-based): chr11:20,601,274, G>A. VCF-style: chr11-20601274-G-A. GRCh37 (hg19) VCF-style: chr11-20622820-G-A.
Other names: c.-415G>A (NM_001318369.2); short protein forms R50H.
Identifiers: ClinVar variation 1417083 (VCV001417083.8), dbSNP rs1445215942, ClinGen allele CA379911019.